The following is an entry in ClinVar:

ClinVar aggregate classification (germline): Benign/Likely benign. Review status: criteria provided, multiple submitters, no conflicts (2 of 4 stars). 4 submissions from 4 submitters: Benign (1); Likely benign (2). 1 of the submissions does not count toward it. Last evaluated 2025-06-06.

Conditions:
Tuberous sclerosis syndrome (TSC). Also called: Tuberous Sclerosis Complex; Tuberous sclerosis. Identifiers: Orphanet 805, MedGen C0041341, MONDO:0001734.
Tuberous sclerosis 2 (TSC2). Identifiers: Orphanet 805, MedGen C1860707, MONDO:0013199, OMIM 613254.
Hereditary cancer-predisposing syndrome. Also called: Tumor predisposition; Hereditary Cancer Syndrome; Neoplastic Syndromes, Hereditary; Hereditary neoplastic syndrome. Identifiers: Orphanet 140162, MedGen C0027672, MeSH D009386, MONDO:0015356.

Allele frequency attached by ClinVar (database versions not stated): gnomAD 0.00001.
gnomAD v4.1: 1 of 1,596,694 alleles (0.000063%); highest among the groups gnomAD compares: African/African-American, 0.0014%; no homozygotes.

Submissions (4):

Myriad Genetics, Inc.
Classification: Benign for Tuberous sclerosis 2. Last evaluated: 2025-06-06. Review status: criteria provided, single submitter. Criteria: Myriad Autosomal Dominant, Autosomal Recessive and X-Linked Classification Criteria (2023). Collection method: clinical testing. Allele origin: unknown.
Comment: This variant is considered benign. This variant is a silent/synonymous amino acid change and it is not expected to impact splicing.

Ambry Genetics
Classification: Likely benign for Hereditary cancer-predisposing syndrome. Last evaluated: 2023-06-25. Review status: criteria provided, single submitter. Criteria: Ambry Variant Classification Scheme 2023. Collection method: clinical testing. Allele origin: germline.

Labcorp Genetics (formerly Invitae), Labcorp
Classification: Likely benign for Tuberous sclerosis 2. Last evaluated: 2022-12-27. Review status: criteria provided, single submitter. Criteria: Invitae Variant Classification Sherloc (09022015). Collection method: clinical testing. Allele origin: germline.

Tuberous sclerosis database (TSC2)
No classification provided. Condition: TSC. Review status: no classification provided. Criteria: Tuberous Sclerosis Database Assertion Criteria 2015. Collection method: curation. Allele origin: germline. Affected: yes. Not counted in ClinVar's aggregate classification.

NM_000548.5(TSC2):c.5184C>T (p.Ser1728=)

Gene: TSC2 (TSC complex subunit 2; plus strand). Cytogenetic location: 16p13.3.
Variant type: single nucleotide variant.
Coding change: c.5184C>T on transcript NM_000548.5 (MANE Select); coding-DNA position 5184, C replaced by T.
Protein change: p.Ser1728=; no amino-acid change (serine 1728 retained).
Molecular consequence: synonymous variant.
Genome position (GRCh38, 1-based): chr16:2,088,250, C>T. VCF-style: chr16-2088250-C-T. GRCh37 (hg19) VCF-style: chr16-2138251-C-T.
Other names: c.4983C>T, p.Ser1661= (NM_001077183.3); c.5115C>T, p.Ser1705= (NM_001114382.3); c.4875C>T, p.Ser1625= (NM_001318827.2); c.4839C>T, p.Ser1613= (NM_001318829.2); c.4452C>T, p.Ser1484= (NM_001318831.2); c.5016C>T, p.Ser1672= (NM_001318832.2); c.4986C>T, p.Ser1662= (NM_001363528.2); c.5052C>T, p.Ser1684= (NM_001370404.1); and 2 more.
Identifiers: ClinVar variation 64939 (VCV000064939.11), dbSNP rs397514955, ClinGen allele CA022090.